The following is an entry in ClinVar:

ClinVar aggregate classification (germline): Uncertain significance. Review status: criteria provided, multiple submitters, no conflicts (2 of 4 stars). 2 submissions from 2 submitters: Uncertain significance (2). Last evaluated 2024-05-14.

Conditions:
Retinitis pigmentosa 73 (RP73). Identifiers: Orphanet 791, MedGen C4225287, MONDO:0014687, OMIM 616544.
Mucopolysaccharidosis, MPS-III-C (MPS3C). Also called: MPS IIIC (Sanfilippo Syndrome Type C); MUCOPOLYSACCHARIDOSIS, TYPE IIIC; Mucopolysaccharidosis type IIIC (Sanfilippo C); SANFILIPPO SYNDROME C; MPS III C; mucopolysaccharidosis type 3C. Identifiers: Orphanet 581, Orphanet 79271, MedGen C0086649, MONDO:0009657, OMIM 252930.
Inborn genetic diseases. Identifiers: MedGen C0950123, MeSH D030342.

Allele frequency attached by ClinVar (database versions not stated): TOPMed below 0.00001; gnomAD exomes 0.00002.
gnomAD v4.1: 4 of 1,230,236 alleles (0.00033%); highest among the groups gnomAD compares: Non-Finnish European, 0.00041%; no homozygotes.

Submissions (2):

Ambry Genetics
Classification: Uncertain significance for Inborn genetic diseases. Last evaluated: 2024-05-14. Review status: criteria provided, single submitter. Criteria: Ambry Variant Classification Scheme 2023. Collection method: clinical testing. Allele origin: germline.

Labcorp Genetics (formerly Invitae), Labcorp
Classification: Uncertain significance for Retinitis pigmentosa 73; Mucopolysaccharidosis, MPS-III-C. Last evaluated: 2022-03-09. Review status: criteria provided, single submitter. Criteria: Invitae Variant Classification Sherloc (09022015). Collection method: clinical testing. Allele origin: germline.
Comment: This sequence change replaces serine, which is neutral and polar, with proline, which is neutral and non-polar, at codon 28 of the HGSNAT protein (p.Ser28Pro). This variant is not present in population databases (gnomAD no frequency). This variant has not been reported in the literature in individuals affected with HGSNAT-related conditions. Advanced modeling of protein sequence and biophysical properties (such as structural, functional, and spatial information, amino acid conservation, physicochemical variation, residue mobility, and thermodynamic stability) performed at Invitae indicates that this missense variant is not expected to disrupt HGSNAT protein function. In summary, the available evidence is currently insufficient to determine the role of this variant in disease. Therefore, it has been classified as a Variant of Uncertain Significance.

NM_152419.3(HGSNAT):c.82T>C (p.Ser28Pro)

Genes: HGSNAT (heparan-alpha-glucosaminide N-acetyltransferase; plus strand), LOC130000316 (ATAC-STARR-seq lymphoblastoid silent region 19164; plus strand). Cytogenetic location: 8p11.21.
Variant type: single nucleotide variant.
Coding change: c.82T>C on transcript NM_152419.3 (MANE Select); coding-DNA position 82, T replaced by C.
Protein change: p.Ser28Pro; replaces serine 28 with proline.
Molecular consequence: missense variant. On other transcripts: 5 prime UTR variant (1).
Genome position (GRCh38, 1-based): chr8:43,140,578, T>C. VCF-style: chr8-43140578-T-C. GRCh37 (hg19) VCF-style: chr8-42995721-T-C.
Other names: c.82T>C (NM_152419.2); c.82T>C, p.Ser28Pro (NM_001363227.2, NM_001363228.2); c.-752T>C (NM_001363229.2); short protein forms S28P.
Identifiers: ClinVar variation 1413568 (VCV001413568.4), dbSNP rs1802482509, ClinGen allele CA371124640.
Genomic context (GRCh38, chr8:43,140,578, plus strand): 5'-CTGGCCGCGCTGCTGCTGGCCGCGTCCGTGCTGAGCGCCGCGCTGCTGGCCCCCGGCGGC[T>C]CTTCGGGGCGCGATGCCCAGGCCGCGCCGCCACGAGGTGAGTGCACACCTCCTACCGCCG-3'
Protein context (NP_689632.2, residues 18-38): LSAALLAPGG[Ser28Pro]SGRDAQAAPP